The following is an entry in ClinVar:

ClinVar aggregate classification (germline): Pathogenic (1 of 4 stars; one submission).

Conditions:
Tuberous sclerosis 1 (TSC1). Identifiers: Orphanet 805, MedGen C1854465, MONDO:0008612, OMIM 191100.

Submission:

Labcorp Genetics (formerly Invitae), Labcorp
Classification: Pathogenic for Tuberous sclerosis 1. Last evaluated: 2025-06-08. Review status: criteria provided, single submitter. Criteria: Invitae Variant Classification Sherloc (09022015). Collection method: clinical testing. Allele origin: germline.
Comment: This sequence change creates a premature translational stop signal (p.Ser278Phefs*40) in the TSC1 gene. It is expected to result in an absent or disrupted protein product. Loss-of-function variants in TSC1 are known to be pathogenic (PMID: 10227394, 17304050). This variant is not present in population databases (gnomAD no frequency). This variant has not been reported in the literature in individuals affected with TSC1-related conditions. For these reasons, this variant has been classified as Pathogenic.

Literature cited by the submitters: PubMed 10227394; PubMed 17304050.

NM_000368.5(TSC1):c.833del (p.Ser278fs)

Gene: TSC1 (TSC complex subunit 1; minus strand). Cytogenetic location: 9q34.13.
Variant type: Deletion.
Coding change: c.833del on transcript NM_000368.5 (MANE Select); coding-DNA position 833, one base deleted (C; older notation c.833delC).
Protein change: p.Ser278fs; shifts the reading frame from serine 278.
Molecular consequence: frameshift variant. On other transcripts: 5 prime UTR variant (5), non-coding transcript variant (5).
Genome position (GRCh38, 1-based): chr9:132,912,362, G deleted on the plus strand (C on the coding strand, the reverse complement: TSC1 is on the minus strand). VCF-style (leftmost placement, unchanged base first): chr9-132912361-AG-A. GRCh37 (hg19) VCF-style: chr9-135787748-AG-A.
Other names: c.833del, p.Ser278fs (NM_001406603.1, NM_001406604.1, NM_001406605.1 and 16 more transcripts); c.680del, p.Ser227fs (NM_001406610.1, NM_001406611.1, NM_001406612.1 and 2 more transcripts); c.470del, p.Ser157fs (NM_001406614.1, NM_001406615.1, NM_001406616.1 and 10 more transcripts); c.-119del (NM_001406626.1, NM_001406627.1, NM_001406628.1); c.-261del (NM_001406629.1, NM_001406630.1); short protein forms S157fs, S278fs, S227fs.
Identifiers: ClinVar variation 4720958 (VCV004720958.1).